The following is an entry in ClinVar:

NM_133497.4(KCNV2):c.800G>A (p.Ser267Asn)

Gene: KCNV2 (potassium voltage-gated channel modifier subfamily V member 2; plus strand). Cytogenetic location: 9p24.2.
Variant type: single nucleotide variant.
Coding change: c.800G>A on transcript NM_133497.4 (MANE Select); coding-DNA position 800, G replaced by A.
Protein change: p.Ser267Asn; replaces serine 267 with asparagine.
Molecular consequence: missense variant.
Genome position (GRCh38, 1-based): chr9:2,718,539, G>A. VCF-style: chr9-2718539-G-A. GRCh37 (hg19) VCF-style: chr9-2718539-G-A.
Other names: short protein forms S267N.
Identifiers: ClinVar variation 1501100 (VCV001501100.6), dbSNP rs2130861259, ClinGen allele CA372799438.

ClinVar aggregate classification (germline): Uncertain significance (1 of 4 stars; one submission).

Submission:

Labcorp Genetics (formerly Invitae), Labcorp
Classification: Uncertain significance. Last evaluated: 2021-08-26. Review status: criteria provided, single submitter. Criteria: Invitae Variant Classification Sherloc (09022015). Collection method: clinical testing. Allele origin: germline.
Comment: This sequence change replaces serine with asparagine at codon 267 of the KCNV2 protein (p.Ser267Asn). The serine residue is moderately conserved and there is a small physicochemical difference between serine and asparagine. This variant is not present in population databases (ExAC no frequency). This missense change has been observed in individual(s) with inherited retinal dystrophy (Invitae). In at least one individual the data is consistent with the variant being in trans (on the opposite chromosome) from a pathogenic variant. Advanced modeling of protein sequence and biophysical properties (such as structural, functional, and spatial information, amino acid conservation, physicochemical variation, residue mobility, and thermodynamic stability) performed at Invitae indicates that this missense variant is not expected to disrupt KCNV2 protein function. In summary, the available evidence is currently insufficient to determine the role of this variant in disease. Therefore, it has been classified as a Variant of Uncertain Significance.